The following is an entry in ClinVar:

ClinVar aggregate classification (germline): Likely pathogenic (1 of 4 stars; one submission).

Conditions:
Duchenne muscular dystrophy (DMD). Also called: MUSCULAR DYSTROPHY, PSEUDOHYPERTROPHIC PROGRESSIVE, DUCHENNE TYPE; Duchenne Muscular Dystrophy (DMD). Identifiers: Orphanet 98896, MedGen C0013264, MONDO:0010679, OMIM 310200.

Submission:

Labcorp Genetics (formerly Invitae), Labcorp
Classification: Likely pathogenic for Duchenne muscular dystrophy. Last evaluated: 2018-03-14. Review status: criteria provided, single submitter. Criteria: Invitae Variant Classification Sherloc (09022015). Collection method: clinical testing. Allele origin: germline.
Comment: This variant is a gross duplication of the genomic region encompassing exons 56-72 of the DMD gene. While the exact position of the duplicated exons cannot be determined from this data, sub-genic duplications are generally in tandem (PMID: 25640679) and may result in an absent or disrupted protein product. This variant has not been reported in the literature in individuals with DMD-related disease. Loss-of-function variants in DMD are known to be pathogenic (PMID: 16770791, 25007885). In summary, the currently available evidence indicates that the variant is pathogenic, but additional data are needed to prove that conclusively. Therefore, this variant has been classified as Likely Pathogenic.

Literature cited by the submitters: PubMed 25640679; PubMed 16770791; PubMed 25007885.

NC_000023.10:g.(?_31191636)_(31526374_?)dup

Genes: DMD (dystrophin; minus strand), LOC130068087 (ATAC-STARR-seq lymphoblastoid silent region 20730; plus strand), LOC130068088 (ATAC-STARR-seq lymphoblastoid active region 29515; plus strand), LOC130068089 (ATAC-STARR-seq lymphoblastoid active region 29516; plus strand), LOC125446277 (Sharpr-MPRA regulatory region 11226; plus strand) and 4 more. Cytogenetic location: Xp21.2-21.1.
Variant type: Duplication.
Identifiers: ClinVar variation 583732 (VCV000583732.5).